The following is an entry in ClinVar:

NM_000075.4(CDK4):c.157A>C (p.Thr53Pro)

Genes: CDK4 (cyclin dependent kinase 4; minus strand), LOC130008148 (ATAC-STARR-seq lymphoblastoid silent region 4588; plus strand). Cytogenetic location: 12q14.1.
Variant type: single nucleotide variant.
Coding change: c.157A>C on transcript NM_000075.4 (MANE Select); coding-DNA position 157, A replaced by C.
Protein change: p.Thr53Pro; replaces threonine 53 with proline.
Molecular consequence: missense variant.
Genome position (GRCh38, 1-based): chr12:57,751,561, T>G on the plus strand (A>C on the coding strand, the complement: CDK4 is on the minus strand). VCF-style: chr12-57751561-T-G. GRCh37 (hg19) VCF-style: chr12-58145344-T-G.
Other names: short protein forms T53P.
Identifiers: ClinVar variation 4633133 (VCV004633133.1).
Genomic context (GRCh38, chr12:57,751,561, plus strand): 5'-GGACAACATTGGGATGCTCAAAAGCCTCCAGTCGCCTCAGTAAAGCCACCTCACGAACTG[T>G]GCTGATGGGAAGGCCTCCTCCACCTCCTCCTCCATTGGGGACTCTCACACTCTTGAGGGC-3'
Protein context (NP_000066.1, residues 43-63): GGGGGGLPIS[Thr53Pro]VREVALLRRL

ClinVar aggregate classification (germline): Uncertain significance (1 of 4 stars; one submission).

Conditions:
Hereditary cancer-predisposing syndrome. Also called: Neoplastic Syndromes, Hereditary; Tumor predisposition; Hereditary Cancer Syndrome; Hereditary neoplastic syndrome. Identifiers: Orphanet 140162, MedGen C0027672, MeSH D009386, MONDO:0015356.

Submission:

Ambry Genetics
Classification: Uncertain significance for Hereditary cancer-predisposing syndrome. Last evaluated: 2025-10-30. Review status: criteria provided, single submitter. Criteria: Ambry Variant Classification Scheme 2023. Collection method: clinical testing. Allele origin: germline.
Comment: The p.T53P variant (also known as c.157A>C), located in coding exon 1 of the CDK4 gene, results from an A to C substitution at nucleotide position 157. The threonine at codon 53 is replaced by proline, an amino acid with highly similar properties. This amino acid position is highly conserved in available vertebrate species. In addition, the in silico prediction for this alteration is inconclusive. Based on the available evidence, the clinical significance of this variant remains unclear.